The following is an entry in ClinVar:

ClinVar aggregate classification (germline): Uncertain significance. Review status: criteria provided, multiple submitters, no conflicts (2 of 4 stars). 2 submissions from 2 submitters: Uncertain significance (2). Last evaluated 2025-11-03.

Conditions:
Inborn genetic diseases. Identifiers: MedGen C0950123, MeSH D030342.

Allele frequency attached by ClinVar (database versions not stated): gnomAD 0.00001; gnomAD exomes 0.00001; TOPMed 0.00002.
gnomAD v4.1: 11 of 1,605,584 alleles (0.00069%); highest among the groups gnomAD compares: African/African-American, 0.0014%; no homozygotes.

Submissions (2):

Labcorp Genetics (formerly Invitae), Labcorp
Classification: Uncertain significance. Last evaluated: 2025-11-03. Review status: criteria provided, single submitter. Criteria: Invitae Variant Classification Sherloc (09022015). Collection method: clinical testing. Allele origin: germline.
Comment: This sequence change replaces threonine, which is neutral and polar, with serine, which is neutral and polar, at codon 1007 of the CNTNAP1 protein (p.Thr1007Ser). This variant is not present in population databases (gnomAD no frequency). This variant has not been reported in the literature in individuals affected with CNTNAP1-related conditions. ClinVar contains an entry for this variant (Variation ID: 1968730). An algorithm developed to predict the effect of missense changes on protein structure and function (PolyPhen-2) suggests that this variant is likely to be tolerated. In summary, the available evidence is currently insufficient to determine the role of this variant in disease. Therefore, it has been classified as a Variant of Uncertain Significance.

Ambry Genetics
Classification: Uncertain significance for Inborn genetic diseases. Last evaluated: 2022-01-05. Review status: criteria provided, single submitter. Criteria: Ambry Variant Classification Scheme 2023. Collection method: clinical testing. Allele origin: germline.

NM_003632.3(CNTNAP1):c.3020C>G (p.Thr1007Ser)

Gene: CNTNAP1 (contactin associated protein 1; plus strand). Cytogenetic location: 17q21.2.
Variant type: single nucleotide variant.
Coding change: c.3020C>G on transcript NM_003632.3 (MANE Select); coding-DNA position 3020, C replaced by G.
Protein change: p.Thr1007Ser; replaces threonine 1007 with serine.
Molecular consequence: missense variant.
Genome position (GRCh38, 1-based): chr17:42,695,548, C>G. VCF-style: chr17-42695548-C-G. GRCh37 (hg19) VCF-style: chr17-40847566-C-G.
Other names: short protein forms T1007S.
Identifiers: ClinVar variation 1968730 (VCV001968730.6), dbSNP rs1326693012, ClinGen allele CA399623344.